The following is an entry in ClinVar:

ClinVar aggregate classification (germline): Uncertain significance (1 of 4 stars; one submission).

Conditions:
Cystic fibrosis (CF). Also called: MUCOVISCIDOSIS. Identifiers: Orphanet 586, MedGen C0010674, MONDO:0009061, OMIM 219700. Disease mechanism: loss of function.

Submission:

Ambry Genetics
Classification: Uncertain significance for Cystic fibrosis. Last evaluated: 2025-11-12. Review status: criteria provided, single submitter. Criteria: Ambry Variant Classification Scheme 2023. Collection method: clinical testing. Allele origin: germline.
Comment: The p.I1015V variant (also known as c.3043A>G), located in coding exon 19 of the CFTR gene, results from an A to G substitution at nucleotide position 3043. The isoleucine at codon 1015 is replaced by valine, an amino acid with highly similar properties. This amino acid position is conserved. In addition, this alteration is predicted to be deleterious by in silico analysis. Based on the available evidence, the clinical significance of this variant remains unclear.

NM_000492.4(CFTR):c.3043A>G (p.Ile1015Val)

Genes: CFTR-AS2 (CFTR antisense RNA 2; minus strand), CFTR (CF transmembrane conductance regulator; plus strand), LOC111674472 (DNase I hypersensitive sites in introns 16 and 17a of CFTR; plus strand). Cytogenetic location: 7q31.2.
Variant type: single nucleotide variant.
Coding change: c.3043A>G on transcript NM_000492.4 (MANE Select); coding-DNA position 3043, A replaced by G.
Protein change: p.Ile1015Val; replaces isoleucine 1015 with valine.
Molecular consequence: missense variant.
Genome position (GRCh38, 1-based): chr7:117,610,573, A>G. VCF-style: chr7-117610573-A-G. GRCh37 (hg19) VCF-style: chr7-117250627-A-G.
Other names: short protein forms I1015V.
Identifiers: ClinVar variation 1799175 (VCV001799175.3), dbSNP rs2485129015, ClinGen allele CA368990579.